The following is an entry in ClinVar:

ClinVar aggregate classification (germline): Uncertain significance (1 of 4 stars; one submission).

Conditions:
Cardiovascular phenotype. Identifiers: MedGen CN230736.

Submission:

Ambry Genetics
Classification: Uncertain significance for Cardiovascular phenotype. Last evaluated: 2025-11-02. Review status: criteria provided, single submitter. Criteria: Ambry Variant Classification Scheme 2023. Collection method: clinical testing. Allele origin: germline.
Comment: The p.Q353P variant (also known as c.1058A>C), located in coding exon 7 of the SPRED1 gene, results from an A to C substitution at nucleotide position 1058. The glutamine at codon 353 is replaced by proline, an amino acid with similar properties. This amino acid position is conserved. In addition, this alteration is predicted to be deleterious by in silico analysis. Based on the available evidence, the clinical significance of this variant remains unclear.

NM_152594.3(SPRED1):c.1058A>C (p.Gln353Pro)

Gene: SPRED1 (sprouty related EVH1 domain containing 1; plus strand). Cytogenetic location: 15q14.
Variant type: single nucleotide variant.
Coding change: c.1058A>C on transcript NM_152594.3 (MANE Select); coding-DNA position 1058, A replaced by C.
Protein change: p.Gln353Pro; replaces glutamine 353 with proline.
Molecular consequence: missense variant.
Genome position (GRCh38, 1-based): chr15:38,351,387, A>C. VCF-style: chr15-38351387-A-C. GRCh37 (hg19) VCF-style: chr15-38643588-A-C.
Other names: short protein forms Q353P.
Identifiers: ClinVar variation 4615025 (VCV004615025.1).